The following is an entry in ClinVar:

ClinVar aggregate classification (germline): Uncertain significance (1 of 4 stars; one submission).

Allele frequency attached by ClinVar (database versions not stated): gnomAD 0.00001; gnomAD exomes 0.00001; TOPMed 0.00002.
gnomAD v4.1: 10 of 1,614,004 alleles (0.00062%); highest among the groups gnomAD compares: Non-Finnish European, 0.00085%; no homozygotes.

Submission:

Labcorp Genetics (formerly Invitae), Labcorp
Classification: Uncertain significance. Last evaluated: 2020-12-05. Review status: criteria provided, single submitter. Criteria: Invitae Variant Classification Sherloc (09022015). Collection method: clinical testing. Allele origin: germline.
Comment: This sequence change replaces methionine with threonine at codon 272 of the DDR2 protein (p.Met272Thr). The methionine residue is moderately conserved and there is a moderate physicochemical difference between methionine and threonine. This variant is not present in population databases (ExAC no frequency). This variant has not been reported in the literature in individuals with DDR2-related conditions. Algorithms developed to predict the effect of missense changes on protein structure and function (SIFT, PolyPhen-2, Align-GVGD) all suggest that this variant is likely to be tolerated, but these predictions have not been confirmed by published functional studies and their clinical significance is uncertain. In summary, the available evidence is currently insufficient to determine the role of this variant in disease. Therefore, it has been classified as a Variant of Uncertain Significance.

NM_006182.4(DDR2):c.815T>C (p.Met272Thr)

Gene: DDR2 (discoidin domain receptor tyrosine kinase 2; plus strand). Cytogenetic location: 1q23.3.
Variant type: single nucleotide variant.
Coding change: c.815T>C on transcript NM_006182.4 (MANE Select); coding-DNA position 815, T replaced by C.
Protein change: p.Met272Thr; replaces methionine 272 with threonine.
Molecular consequence: missense variant.
Genome position (GRCh38, 1-based): chr1:162,759,939, T>C. VCF-style: chr1-162759939-T-C. GRCh37 (hg19) VCF-style: chr1-162729729-T-C.
Other names: c.815T>C, p.Met272Thr (NM_001014796.3, NM_001354982.2, NM_001354983.2); short protein forms M272T.
Identifiers: ClinVar variation 1354099 (VCV001354099.8), dbSNP rs772616496, ClinGen allele CA31800458.
Genomic context (GRCh38, chr1:162,759,939, plus strand): 5'-CCGGCTATGACTATGTGGGCTGGCGGAACGAGAGTGCCACCAATGGCTACATTGAGATCA[T>C]GTTTGAATTTGACCGCATCAGGAATTTCACTACCATGAAGGTCAGTGGGGTCGGGTGTGG-3'
Protein context (NP_006173.2, residues 262-282): ESATNGYIEI[Met272Thr]FEFDRIRNFT